The following is an entry in ClinVar:

ClinVar aggregate classification (germline): Uncertain significance. Review status: criteria provided, multiple submitters, no conflicts (2 of 4 stars). 3 submissions from 3 submitters: Uncertain significance (3). Last evaluated 2023-08-04.

Conditions:
Inborn genetic diseases. Identifiers: MedGen C0950123, MeSH D030342.

Allele frequency attached by ClinVar (database versions not stated): gnomAD 0.00001; gnomAD exomes 0.00001; TOPMed 0.00001.
gnomAD v4.1: 7 of 1,613,860 alleles (0.00043%); highest among the groups gnomAD compares: African/African-American, 0.0013%; no homozygotes.

Submissions (3):

Labcorp Genetics (formerly Invitae), Labcorp
Classification: Uncertain significance. Last evaluated: 2023-08-04. Review status: criteria provided, single submitter. Criteria: Invitae Variant Classification Sherloc (09022015). Collection method: clinical testing. Allele origin: germline.
Comment: In summary, the available evidence is currently insufficient to determine the role of this variant in disease. Therefore, it has been classified as a Variant of Uncertain Significance. Advanced modeling of protein sequence and biophysical properties (such as structural, functional, and spatial information, amino acid conservation, physicochemical variation, residue mobility, and thermodynamic stability) performed at Invitae indicates that this missense variant is not expected to disrupt COL9A1 protein function. ClinVar contains an entry for this variant (Variation ID: 1043246). This variant has not been reported in the literature in individuals affected with COL9A1-related conditions. This variant is present in population databases (no rsID available, gnomAD 0.01%). This sequence change replaces serine, which is neutral and polar, with threonine, which is neutral and polar, at codon 420 of the COL9A1 protein (p.Ser420Thr).

Ambry Genetics
Classification: Uncertain significance for Inborn genetic diseases. Last evaluated: 2022-08-03. Review status: criteria provided, single submitter. Criteria: Ambry Variant Classification Scheme 2023. Collection method: clinical testing. Allele origin: germline.

Revvity Omics, Revvity
Classification: Uncertain significance. Last evaluated: 2021-01-12. Review status: criteria provided, single submitter. Criteria: ACMG Guidelines, 2015. Collection method: clinical testing. Allele origin: germline.

NM_001851.6(COL9A1):c.1258T>A (p.Ser420Thr)

Gene: COL9A1 (collagen type IX alpha 1 chain; minus strand). Cytogenetic location: 6q13.
Variant type: single nucleotide variant.
Coding change: c.1258T>A on transcript NM_001851.6 (MANE Select); coding-DNA position 1258, T replaced by A.
Protein change: p.Ser420Thr; replaces serine 420 with threonine.
Molecular consequence: missense variant. On other transcripts: non-coding transcript variant (1).
Genome position (GRCh38, 1-based): chr6:70,268,833, A>T on the plus strand (T>A on the coding strand, the complement: COL9A1 is on the minus strand). VCF-style: chr6-70268833-A-T. GRCh37 (hg19) VCF-style: chr6-70978536-A-T.
Other names: c.1258T>A (NM_001851.4); c.529T>A, p.Ser177Thr (NM_001377289.1, NM_001377290.1, NM_078485.4); short protein forms S420T, S177T.
Identifiers: ClinVar variation 1043246 (VCV001043246.8), dbSNP rs971866455, ClinGen allele CA140878529.